The following is an entry in ClinVar:

NM_000492.4(CFTR):c.3661_3662del (p.Glu1221fs)

Genes: CFTR (CF transmembrane conductance regulator; plus strand), CFTR-AS2 (CFTR antisense RNA 2; minus strand). Cytogenetic location: 7q31.2.
Variant type: Deletion.
Coding change: c.3661_3662del on transcript NM_000492.4 (MANE Select); coding-DNA positions 3661 to 3662, 2 bases deleted (GA; older notation c.3661_3662delGA).
Protein change: p.Glu1221fs; shifts the reading frame from glutamic acid 1221.
Molecular consequence: frameshift variant.
Genome position (GRCh38, 1-based): chr7:117,627,714-117,627,715, GA deleted; deleting any 2 consecutive bases within chr7:117,627,713-117,627,715 gives the same sequence; the c. name uses the placement nearest the transcript's 3' end. VCF-style (leftmost placement, unchanged base first): chr7-117627712-CAG-C. GRCh37 (hg19) VCF-style: chr7-117267766-CAG-C.
Other names: c.3661_3662del (NM_000492.3); short protein forms E1221fs.
Identifiers: ClinVar variation 2671788 (VCV002671788.2), dbSNP rs2485146562, ClinGen allele CA2695199625.

ClinVar aggregate classification (germline): Likely pathogenic. Review status: criteria provided, multiple submitters, no conflicts (2 of 4 stars). 2 submissions from 2 submitters: Likely pathogenic (2). Last evaluated 2025-08-05.

Conditions:
Cystic fibrosis (CF). Also called: MUCOVISCIDOSIS. Identifiers: Orphanet 586, MedGen C0010674, MONDO:0009061, OMIM 219700. Disease mechanism: loss of function.
CFTR-related disorder (CFTR-RD). Also called: CFTR-related disorders; CFTR-related condition. Identifiers: MedGen C5924204, MONDO:7770004.

Submissions (2):

Natera, Inc.
Classification: Likely pathogenic for CFTR-related disorders. Last evaluated: 2025-08-05. Review status: criteria provided, single submitter. Criteria: Natera Variant Classification Schema (03/2026). Collection method: clinical testing. Allele origin: germline.
Comment: The c.3661_3662del variant in CFTR is a frameshift variant predicted to shift the reading frame beginning at codon 1221 and leads to a stop codon 43 codons downstream. This variant is expected to result in nonsense mediated decay, truncation, or a dysfunctional protein product. This variant is rare in the general population with a frequency below the threshold expected for the associated phenotype(s). Given the available evidence, this variant is classified as Likely Pathogenic.

Neuberg Centre For Genomic Medicine, NCGM
Classification: Likely pathogenic for Cystic fibrosis. Last evaluated: 2023-03-01. Review status: criteria provided, single submitter. Criteria: ACMG Guidelines, 2015. Collection method: clinical testing. Allele origin: germline. Inheritance: Autosomal recessive inheritance. Affected: yes.
Comment: The frame shift c.3661_3662del (p.Glu1221ArgfsTer43) variant in CFTR gene has not been reported previously as a pathogenic variant nor as a benign variant, to our knowledge. The p.Glu1221ArgfsTer43 variant is novel (not in any individuals) in gnomAD Exomes and 1000 Genomes. This variant has not been reported to the ClinVar database. This variant causes a frameshift starting with codon Glutamic Acid 1221, changes this amino acid to Arginine residue, and creates a premature Stop codon at position 43 of the new reading frame, denoted p.Glu1221ArgfsTer43. This variant is predicted to cause loss of normal protein function through protein truncation. Loss of function variants have been previously reported to be disease causing. For these reasons, this variant has been classified as Likely Pathogenic.